The following is an entry in ClinVar:

NM_000238.4(KCNH2):c.3331-5T>C

Gene: KCNH2 (potassium voltage-gated channel subfamily H member 2; minus strand). Cytogenetic location: 7q36.1.
Variant type: single nucleotide variant.
Coding change: c.3331-5T>C on transcript NM_000238.4 (MANE Select); 5 bases into the intron before coding-DNA position 3331, T replaced by C.
Molecular consequence: intron variant.
Genome position (GRCh38, 1-based): chr7:150,945,519, A>G on the plus strand (T>C on the coding strand, the complement: KCNH2 is on the minus strand). VCF-style: chr7-150945519-A-G. GRCh37 (hg19) VCF-style: chr7-150642607-A-G.
Other names: c.3043-5T>C (NM_001406753.1); c.2311-5T>C (NM_172057.3).
Identifiers: ClinVar variation 4707610 (VCV004707610.1).
Genomic context (GRCh38, chr7:150,945,519, plus strand): 5'-TGGGGAAGCTCTGGGGCCCCCGGGGGCAGCTCCTCACACGCCATGAACTGGGAAACCTGC[A>G]ATACACACAGAGCATGGGCAGGCGAAGAGGCCATGGAGGAGGAGGAAGGGGAGGGAAAGG-3'

ClinVar aggregate classification (germline): Uncertain significance (1 of 4 stars; one submission).

Conditions:
Long QT syndrome (LQTS). Identifiers: MedGen C0023976, MeSH D008133, MONDO:0002442. Disease mechanism: loss of function. Inheritance: Various modes of inheritance.

Submission:

Labcorp Genetics (formerly Invitae), Labcorp
Classification: Uncertain significance for Long QT syndrome. Last evaluated: 2025-07-09. Review status: criteria provided, single submitter. Criteria: Invitae Variant Classification Sherloc (09022015). Collection method: clinical testing. Allele origin: germline.
Comment: This sequence change falls in intron 14 of the KCNH2 gene. It does not directly change the encoded amino acid sequence of the KCNH2 protein. This variant is not present in population databases (gnomAD no frequency). This variant has not been reported in the literature in individuals affected with KCNH2-related conditions. Algorithms developed to predict the effect of sequence changes on RNA splicing suggest that this variant may disrupt the consensus splice site. In summary, the available evidence is currently insufficient to determine the role of this variant in disease. Therefore, it has been classified as a Variant of Uncertain Significance.